The following is an entry in ClinVar:

NM_001142800.2(EYS):c.962C>G (p.Pro321Arg)

Gene: EYS (EGF-like photoreceptor maintenance factor; minus strand). Cytogenetic location: 6q12.
Variant type: single nucleotide variant.
Coding change: c.962C>G on transcript NM_001142800.2 (MANE Select); coding-DNA position 962, C replaced by G.
Protein change: p.Pro321Arg; replaces proline 321 with arginine.
Molecular consequence: missense variant.
Genome position (GRCh38, 1-based): chr6:65,405,268, G>C on the plus strand (C>G on the coding strand, the complement: EYS is on the minus strand). VCF-style: chr6-65405268-G-C. GRCh37 (hg19) VCF-style: chr6-66115161-G-C.
Other names: c.962C>G (NM_001142800.1); c.962C>G, p.Pro321Arg (NM_001142801.2, NM_001292009.2, NM_198283.2); short protein forms P321R.
Identifiers: ClinVar variation 1449017 (VCV001449017.7), dbSNP rs534421846, ClinGen allele CA364662750.

ClinVar aggregate classification (germline): Uncertain significance. Review status: criteria provided, single submitter (1 of 4 stars). 2 submissions from 2 submitters: Uncertain significance (1). 1 of the submissions does not count toward it. Last evaluated 2021-11-09.

Conditions:
Retinitis pigmentosa 25 (RP25). Identifiers: Orphanet 791, MedGen C1864446, MONDO:0011272, OMIM 602772.

Submissions (2):

Labcorp Genetics (formerly Invitae), Labcorp
Classification: Uncertain significance. Last evaluated: 2021-11-09. Review status: criteria provided, single submitter. Criteria: Invitae Variant Classification Sherloc (09022015). Collection method: clinical testing. Allele origin: germline.
Comment: In summary, the available evidence is currently insufficient to determine the role of this variant in disease. Therefore, it has been classified as a Variant of Uncertain Significance. Algorithms developed to predict the effect of missense changes on protein structure and function output the following: SIFT: "Tolerated"; PolyPhen-2: "Benign"; Align-GVGD: "Class C0". The arginine amino acid residue is found in multiple mammalian species, which suggests that this missense change does not adversely affect protein function. This variant has not been reported in the literature in individuals affected with EYS-related conditions. This variant is not present in population databases (gnomAD no frequency). This sequence change replaces proline, which is neutral and non-polar, with arginine, which is basic and polar, at codon 321 of the EYS protein (p.Pro321Arg).

Natera, Inc.
Classification: Uncertain significance for Retinitis pigmentosa type 25. Last evaluated: 2025-03-27. Review status: no assertion criteria provided. Collection method: clinical testing. Allele origin: germline. Not counted in ClinVar's aggregate classification.